The following is an entry in ClinVar:

NM_000722.4(CACNA2D1):c.214C>A (p.Pro72Thr)

Gene: CACNA2D1 (calcium voltage-gated channel auxiliary subunit alpha2delta 1; minus strand). Cytogenetic location: 7q21.11.
Variant type: single nucleotide variant.
Coding change: c.214C>A on transcript NM_000722.4 (MANE Select); coding-DNA position 214, C replaced by A.
Protein change: p.Pro72Thr; replaces proline 72 with threonine.
Molecular consequence: missense variant.
Genome position (GRCh38, 1-based): chr7:82,335,215, G>T on the plus strand (C>A on the coding strand, the complement: CACNA2D1 is on the minus strand). VCF-style: chr7-82335215-G-T. GRCh37 (hg19) VCF-style: chr7-81964531-G-T.
Other names: c.214C>A, p.Pro72Thr (NM_001302890.2, NM_001366867.1); short protein forms P72T.
Identifiers: ClinVar variation 1786710 (VCV001786710.2), dbSNP rs761234382, ClinGen allele CA4318446.

ClinVar aggregate classification (germline): Uncertain significance (1 of 4 stars; one submission).

Conditions:
Cardiovascular phenotype. Identifiers: MedGen CN230736.

Allele frequency attached by ClinVar (database versions not stated): ExAC 0.00001; gnomAD 0.00001.
gnomAD v4.1: 4 of 1,611,118 alleles (0.00025%); highest among the groups gnomAD compares: Non-Finnish European, 0.00034%; no homozygotes.

Submission:

Ambry Genetics
Classification: Uncertain significance for Cardiovascular phenotype. Last evaluated: 2022-01-10. Review status: criteria provided, single submitter. Criteria: Ambry Variant Classification Scheme 2023. Collection method: clinical testing. Allele origin: germline.
Comment: The p.P72T variant (also known as c.214C>A), located in coding exon 3 of the CACNA2D1 gene, results from a C to A substitution at nucleotide position 214. The proline at codon 72 is replaced by threonine, an amino acid with highly similar properties. This amino acid position is conserved. In addition, this alteration is predicted to be tolerated by in silico analysis. Since supporting evidence is limited at this time, the clinical significance of this alteration remains unclear.